The following is an entry in ClinVar:

ClinVar aggregate classification (germline): Pathogenic (1 of 4 stars; one submission).

Conditions:
Hereditary cancer-predisposing syndrome. Also called: Neoplastic Syndromes, Hereditary; Tumor predisposition; Hereditary Cancer Syndrome; Hereditary neoplastic syndrome. Identifiers: Orphanet 140162, MedGen C0027672, MeSH D009386, MONDO:0015356.

Submission:

Ambry Genetics
Classification: Pathogenic for Hereditary cancer-predisposing syndrome. Last evaluated: 2023-07-20. Review status: criteria provided, single submitter. Criteria: Ambry Variant Classification Scheme 2023. Collection method: clinical testing. Allele origin: germline.
Comment: The c.1813dupA pathogenic mutation, located in coding exon 4 of the MSH6 gene, results from a duplication of A at nucleotide position 1813, causing a translational frameshift with a predicted alternate stop codon (p.T605Nfs*2). This alteration is expected to result in loss of function by premature protein truncation or nonsense-mediated mRNA decay. As such, this alteration is interpreted as a disease-causing mutation.

NM_000179.3(MSH6):c.1813dup (p.Thr605fs)

Gene: MSH6 (mutS homolog 6; plus strand). Cytogenetic location: 2p16.3.
Variant type: Duplication.
Coding change: c.1813dup on transcript NM_000179.3 (MANE Select); coding-DNA position 1813, one base duplicated (A; older notation c.1813dupA).
Protein change: p.Thr605fs; shifts the reading frame from threonine 605.
Molecular consequence: frameshift variant.
Genome position (GRCh38, 1-based): chr2:47,799,796, A duplicated; the last of 3 consecutive A bases (chr2:47,799,794-47,799,796); duplicating any one gives the same sequence. VCF-style (leftmost placement, unchanged base first): chr2-47799793-G-GA. GRCh37 (hg19) VCF-style: chr2-48026932-G-GA.
Other names: c.1423dup, p.Thr475fs (NM_001281492.2); c.907dup, p.Thr303fs (NM_001281493.2, NM_001281494.2); c.1909dup, p.Thr637Asnfs (NM_001406795.1, NM_001406802.1); c.1813dup, p.Thr605Asnfs (NM_001406796.1, NM_001406798.1, NM_001406800.1 and 3 more transcripts); c.1516dup, p.Thr506Asnfs (NM_001406797.1, NM_001406801.1, NM_001406805.1 and 10 more transcripts); c.1288dup, p.Thr430Asnfs (NM_001406799.1, NM_001406806.1, NM_001406807.1); c.1735dup, p.Thr579Asnfs (NM_001406804.1); c.907dup, p.Thr303Asnfs (NM_001406811.1, NM_001406812.1, NM_001406814.1 and 4 more transcripts); and 3 more; short protein forms T605fs, T303fs, T475fs.
Identifiers: ClinVar variation 1780628 (VCV001780628.3), dbSNP rs2530631576, ClinGen allele CA2580067702.
Genomic context (GRCh38, chr2:47,799,793, plus strand): 5'-ACTCTAGTGGCACACTATCCCCCAGTACAAGTTTTATTTGAAAAAGGAAATCTCTCAAAG[G>GA]AAACTAAAACAATTCTAAAGAGTTCATTGTCCTGTTCTCTTCAGGAAGGTCTGATACCCG-3'